The following is an entry in ClinVar:

ClinVar aggregate classification (germline): Uncertain significance (1 of 4 stars; one submission).

Conditions:
Candidiasis, familial, 6 (CANDF6). Also called: Candidiasis, familial, 6, autosomal dominant. Identifiers: Orphanet 1334, MedGen C3151405, MONDO:0013503, OMIM 613956.

Submission:

Labcorp Genetics (formerly Invitae), Labcorp
Classification: Uncertain significance for Candidiasis, familial, 6. Last evaluated: 2022-06-04. Review status: criteria provided, single submitter. Criteria: Invitae Variant Classification Sherloc (09022015). Collection method: clinical testing. Allele origin: germline.
Comment: This variant is not present in population databases (gnomAD no frequency). This variant has not been reported in the literature in individuals affected with IL17F-related conditions. ClinVar contains an entry for this variant (Variation ID: 946538). Algorithms developed to predict the effect of missense changes on protein structure and function (SIFT, PolyPhen-2, Align-GVGD) all suggest that this variant is likely to be disruptive. In summary, the available evidence is currently insufficient to determine the role of this variant in disease. Therefore, it has been classified as a Variant of Uncertain Significance. This sequence change replaces serine, which is neutral and polar, with tyrosine, which is neutral and polar, at codon 78 of the IL17F protein (p.Ser78Tyr).

NM_052872.4(IL17F):c.233C>A (p.Ser78Tyr)

Gene: IL17F (interleukin 17F; minus strand). Cytogenetic location: 6p12.2.
Variant type: single nucleotide variant.
Coding change: c.233C>A on transcript NM_052872.4 (MANE Select); coding-DNA position 233, C replaced by A.
Protein change: p.Ser78Tyr; replaces serine 78 with tyrosine.
Molecular consequence: missense variant.
Genome position (GRCh38, 1-based): chr6:52,238,751, G>T on the plus strand (C>A on the coding strand, the complement: IL17F is on the minus strand). VCF-style: chr6-52238751-G-T. GRCh37 (hg19) VCF-style: chr6-52103549-G-T.
Other names: short protein forms S78Y.
Identifiers: ClinVar variation 946538 (VCV000946538.9), dbSNP rs1764012735, ClinGen allele CA364444904.